The following is an entry in ClinVar:

ClinVar aggregate classification (germline): Likely pathogenic (1 of 4 stars; one submission).

Conditions:
Congenital myasthenic syndrome 4A. Also called: MYASTHENIC SYNDROME, CONGENITAL, 4A, SLOW-CHANNEL, AUTOSOMAL RECESSIVE; Myasthenic syndrome, congenital, 4a, slow-channel; CONGENITAL MYASTHENIC SYNDROME TYPE Ia1. Identifiers: Orphanet 590, MedGen C4225413, MONDO:0011600, OMIM 605809.

Allele frequency attached by ClinVar (database versions not stated): gnomAD 0.00001.
gnomAD v4.1: 1 of 1,607,332 alleles (0.000062%); highest among the groups gnomAD compares: South Asian, 0.0011%; no homozygotes.

Submission:

Labcorp Genetics (formerly Invitae), Labcorp
Classification: Likely pathogenic for Congenital myasthenic syndrome 4A. Last evaluated: 2022-11-12. Review status: criteria provided, single submitter. Criteria: Invitae Variant Classification Sherloc (09022015). Collection method: clinical testing. Allele origin: germline.
Comment: This sequence change affects an acceptor splice site in intron 10 of the CHRNE gene. It is expected to disrupt RNA splicing. Variants that disrupt the donor or acceptor splice site typically lead to a loss of protein function (PMID: 16199547), and loss-of-function variants in CHRNE are known to be pathogenic (PMID: 22678886). This variant is present in population databases (no rsID available, gnomAD no frequency). This variant has not been reported in the literature in individuals affected with CHRNE-related conditions. Algorithms developed to predict the effect of sequence changes on RNA splicing suggest that this variant may disrupt the consensus splice site. In summary, the currently available evidence indicates that the variant is pathogenic, but additional data are needed to prove that conclusively. Therefore, this variant has been classified as Likely Pathogenic.

Literature cited by the submitters: PubMed 16199547; PubMed 22678886.

NM_000080.4(CHRNE):c.1220-2A>C

Gene: CHRNE (cholinergic receptor nicotinic epsilon subunit; minus strand). Cytogenetic location: 17p13.2.
Variant type: single nucleotide variant.
Coding change: c.1220-2A>C on transcript NM_000080.4 (MANE Select); the canonical splice acceptor site of the intron before coding-DNA position 1220, A replaced by C.
Molecular consequence: splice acceptor variant.
Genome position (GRCh38, 1-based): chr17:4,899,109, T>G on the plus strand (A>C on the coding strand, the complement: CHRNE is on the minus strand). VCF-style: chr17-4899109-T-G. GRCh37 (hg19) VCF-style: chr17-4802404-T-G.
Identifiers: ClinVar variation 2052761 (VCV002052761.4), dbSNP rs1309292778, ClinGen allele CA397298774.
Genomic context (GRCh38, chr17:4,899,109, plus strand): 5'-GGCATCCACACAGCAGCGGACCTCGGGGGCGGCGGCGCCCAGGCTCTGGCAGAAGGCAGC[T>G]GGCGGGGAAAACACCGGGGTGGGCCTTAGGAGCCTCCCCCCTGGCAGGCACCCCGCGCGG-3'